The following is an entry in ClinVar:

NC_000016.9:g.(?_89556653)_(89577020_?)del

Genes: ANKRD11 (ankyrin repeat domain 11; minus strand), SPG7 (SPG7 matrix AAA peptidase subunit, paraplegin; plus strand). Cytogenetic location: 16q24.3.
Variant type: Deletion.
Identifiers: ClinVar variation 3243326 (VCV003243326.1).

ClinVar aggregate classification (germline): Uncertain significance (1 of 4 stars; one submission).

Conditions:
KBG syndrome (KBGS). Also called: ANKRD11-Related KBG Syndrome. Identifiers: Orphanet 2332, MedGen C0220687, MONDO:0007846, OMIM 148050.

Submission:

Labcorp Genetics (formerly Invitae), Labcorp
Classification: Uncertain significance for KBG syndrome. Last evaluated: 2023-09-20. Review status: criteria provided, single submitter. Criteria: Invitae Variant Classification Sherloc (09022015). Collection method: clinical testing. Allele origin: unknown.
Comment: This variant is a gross deletion that occurs in a non-coding region of the ANKRD11 gene. It does not change the encoded amino acid sequence of the ANKRD11 protein. A similar copy number variant has been observed in individual(s) with KBG syndrome (PMID: 35682590). Experimental studies and prediction algorithms are not available or were not evaluated, and the functional significance of this variant is currently unknown. Studies have shown that a similar copy number variant alters ANKRD11 gene expression (PMID: 35682590). In summary, the available evidence is currently insufficient to determine the role of this variant in disease. Therefore, it has been classified as a Variant of Uncertain Significance.

Literature cited by the submitters: PubMed 35682590.